The following is an entry in ClinVar:

NM_004817.4(TJP2):c.1624A>T (p.Thr542Ser)

Gene: TJP2 (tight junction protein 2; plus strand). Cytogenetic location: 9q21.11.
Variant type: single nucleotide variant.
Coding change: c.1624A>T on transcript NM_004817.4 (MANE Select); coding-DNA position 1624, A replaced by T.
Protein change: p.Thr542Ser; replaces threonine 542 with serine.
Molecular consequence: missense variant.
Genome position (GRCh38, 1-based): chr9:69,230,185, A>T. VCF-style: chr9-69230185-A-T. GRCh37 (hg19) VCF-style: chr9-71845101-A-T.
Other names: p.Thr542Ser; c.1555A>T, p.Thr519Ser (NM_001170414.2, NM_001369871.1); c.1636A>T, p.Thr546Ser (NM_001170415.1, NM_001369874.1, NM_001369875.1); c.1717A>T, p.Thr573Ser (NM_001170416.2); c.1549A>T, p.Thr517Ser (NM_001369870.1); c.1624A>T, p.Thr542Ser (NM_001369872.1, NM_001369873.1, NM_201629.3); short protein forms T517S, T519S, T542S, T546S, T573S.
Identifiers: ClinVar variation 2683047 (VCV002683047.1), dbSNP rs1437215136, ClinGen allele CA373531890.

ClinVar aggregate classification (germline): Uncertain significance (1 of 4 stars; one submission).

Allele frequency attached by ClinVar (database versions not stated): gnomAD exomes 0.00001; TOPMed 0.00001.
gnomAD v4.1: 23 of 1,614,136 alleles (0.0014%); highest among the groups gnomAD compares: Non-Finnish European, 0.0018%; no homozygotes.

Submission:

Mayo Clinic Laboratories, Mayo Clinic
Classification: Uncertain significance. Last evaluated: 2022-01-28. Review status: criteria provided, single submitter. Criteria: ACMG Guidelines, 2015. Collection method: clinical testing. Allele origin: germline. Observed: 1 variant allele.
Comment: BP4, PM2